The following is an entry in ClinVar:

ClinVar aggregate classification (germline): Benign. Review status: criteria provided, multiple submitters, no conflicts (2 of 4 stars). 2 submissions from 2 submitters: Benign (2). Last evaluated 2018-01-13.

Conditions:
Pyruvate dehydrogenase E1-alpha deficiency (PDHAD). Also called: Ataxia, intermittent, with pyruvate dehydrogenase, or decarboxylase, deficiency; ATAXIA, INTERMITTENT, WITH PYRUVATE DEHYDROGENASE DEFICIENCY; ATAXIA WITH LACTIC ACIDOSIS I; ATAXIA, INTERMITTENT, WITH ABNORMAL PYRUVATE METABOLISM. Identifiers: Orphanet 79243, MedGen C1839413, MONDO:0010717, OMIM 312170.

Allele frequency attached by ClinVar (database versions not stated): ESP Exome Variant Server 0.00256; gnomAD exomes 0.00257 and 0.00352; TOPMed 0.00309; gnomAD 0.00193 and 0.00252; 1000 Genomes Project 0.00212; 1000 Genomes Project 30x 0.00250; ExAC 0.00255.
gnomAD v4.1: 3,790 of 1,105,890 alleles (0.34%); highest among the groups gnomAD compares: Admixed American, 0.69%; 10 homozygotes.

Submissions (2):

Illumina Laboratory Services, Illumina
Classification: Benign for Pyruvate dehydrogenase E1-alpha deficiency. Last evaluated: 2018-01-13. Review status: criteria provided, single submitter. Criteria: ICSL Variant Classification Criteria 13 December 2019. Collection method: clinical testing. Allele origin: germline.
Comment: This variant was observed in the ICSL laboratory as part of a predisposition screen in an ostensibly healthy population. It had not been previously curated by ICSL or reported in the Human Gene Mutation Database (HGMD: prior to June 1st, 2018), and was therefore a candidate for classification through an automated scoring system. Utilizing variant allele frequency, disease prevalence and penetrance estimates, and inheritance mode, an automated score was calculated to assess if this variant is too frequent to cause the disease. Based on the score and internal cut-off values, a variant classified as benign is not then subjected to further curation. The score for this variant resulted in a classification of benign for this disease.

Breakthrough Genomics
Classification: Benign. Review status: criteria provided, single submitter. Criteria: ACMG Guidelines, 2015. Collection method: not provided. Allele origin: germline. Inheritance: X-linked inheritance. Affected: yes.

NM_000284.4(PDHA1):c.*1208A>C

Genes: PDHA1 (pyruvate dehydrogenase E1 subunit alpha 1; plus strand), MAP3K15 (mitogen-activated protein kinase kinase kinase 15; minus strand). Cytogenetic location: Xp22.12.
Variant type: single nucleotide variant.
Coding change: c.*1208A>C on transcript NM_000284.4 (MANE Select); 1208 bases downstream of the stop codon, A replaced by C.
Molecular consequence: 3 prime UTR variant. On other transcripts: intron variant (1).
Genome position (GRCh38, 1-based): chrX:19,360,861, A>C. VCF-style: chrX-19360861-A-C. GRCh37 (hg19) VCF-style: chrX-19378979-A-C.
Other names: c.*1208A>C (NM_001173454.2, NM_001173455.2, NM_001173456.2); c.3858-28T>G (NM_001001671.4).
Identifiers: ClinVar variation 914973 (VCV000914973.5), dbSNP rs369499936, ClinGen allele CA10363305.